The following is an entry in ClinVar:

NM_007315.4(STAT1):c.722G>A (p.Arg241Gln)

Gene: STAT1 (signal transducer and activator of transcription 1; minus strand). Cytogenetic location: 2q32.2.
Variant type: single nucleotide variant.
Coding change: c.722G>A on transcript NM_007315.4 (MANE Select); coding-DNA position 722, G replaced by A.
Protein change: p.Arg241Gln; replaces arginine 241 with glutamine.
Molecular consequence: missense variant.
Genome position (GRCh38, 1-based): chr2:190,997,919, C>T on the plus strand (G>A on the coding strand, the complement: STAT1 is on the minus strand). VCF-style: chr2-190997919-C-T. GRCh37 (hg19) VCF-style: chr2-191862645-C-T.
Other names: c.722G>A, p.Arg241Gln (NM_001384880.1, NM_001384882.1, NM_001384885.1 and 5 more transcripts); c.728G>A, p.Arg243Gln (NM_001384881.1, NM_001384884.1); c.623G>A, p.Arg208Gln (NM_001384883.1); c.632G>A, p.Arg211Gln (NM_001384890.1); c.758G>A, p.Arg253Gln (NM_001384891.1); short protein forms R241Q, R208Q, R211Q, R243Q, R253Q.
Identifiers: ClinVar variation 333286 (VCV000333286.18), dbSNP rs146273341, ClinGen allele CA2030162.

ClinVar aggregate classification (germline): Conflicting classifications of pathogenicity. Review status: criteria provided, conflicting classifications (1 of 4 stars). 7 submissions from 7 submitters: Uncertain significance (4); Benign (1); Likely benign (2). Last evaluated 2026-01-19.

Conditions:
STAT1-related disorder. Also called: STAT1-related condition.
Inborn genetic diseases. Identifiers: MedGen C0950123, MeSH D030342.
Autoimmune enteropathy and endocrinopathy - susceptibility to chronic infections syndrome. Also called: Immunodeficiency 31C, autosomal dominant; Immunodeficiency 31C. Identifiers: Orphanet 391487, MedGen C3279990, MONDO:0013599, OMIM 614162.
Immunodeficiency 31B. Also called: IMMUNODEFICIENCY 31B, MYCOBACTERIAL AND VIRAL INFECTIONS, AUTOSOMAL RECESSIVE; STAT1 DEFICIENCY, AUTOSOMAL RECESSIVE. Identifiers: Orphanet 391311, MedGen C3151088, MONDO:0013427, OMIM 613796.
Mendelian susceptibility to mycobacterial diseases due to partial STAT1 deficiency. Also called: IMMUNODEFICIENCY 31A, MYCOBACTERIOSIS, AUTOSOMAL DOMINANT; STAT1 DEFICIENCY, AUTOSOMAL DOMINANT; Immunodeficiency 31a. Identifiers: Orphanet 319595, MedGen C4013950, MONDO:0013956, OMIM 614892.

Allele frequency attached by ClinVar (database versions not stated): gnomAD exomes 0.00016 and 0.00031; ExAC 0.00022; ESP Exome Variant Server 0.00038; gnomAD 0.00040 and 0.00042; TOPMed 0.00056; 1000 Genomes Project 30x 0.00078; 1000 Genomes Project 0.00080.

Submissions (7):

Labcorp Genetics (formerly Invitae), Labcorp
Classification: Uncertain significance for Mendelian susceptibility to mycobacterial diseases due to partial STAT1 deficiency; Immunodeficiency 31B; Autoimmune enteropathy and endocrinopathy - susceptibility to chronic infections syndrome. Last evaluated: 2026-01-19. Review status: criteria provided, single submitter. Criteria: Invitae Variant Classification Sherloc (09022015). Collection method: clinical testing. Allele origin: germline.
Comment: This sequence change replaces arginine, which is basic and polar, with glutamine, which is neutral and polar, at codon 241 of the STAT1 protein (p.Arg241Gln). This variant is present in population databases (rs146273341, gnomAD 0.1%). This variant has not been reported in the literature in individuals affected with STAT1-related conditions. ClinVar contains an entry for this variant (Variation ID: 333286). An algorithm developed to predict the effect of missense changes on protein structure and function outputs the following: PolyPhen-2: "Benign". The glutamine amino acid residue is found in multiple mammalian species, which suggests that this missense change does not adversely affect protein function. Experimental studies have shown that this missense change affects STAT1 function (PMID: 30030262). In summary, the available evidence is currently insufficient to determine the role of this variant in disease. Therefore, it has been classified as a Variant of Uncertain Significance.

PreventionGenetics, part of Exact Sciences
Classification: Uncertain significance for STAT1-related condition. Last evaluated: 2025-12-17. Review status: criteria provided, single submitter. Criteria: ACMG Guidelines, 2015. Collection method: clinical testing. Allele origin: germline.
Comment: The STAT1 c.722G>A variant is predicted to result in the amino acid substitution p.Arg241Gln. To our knowledge, this variant has not been reported in individuals with STAT1-related disorders, however it has been reported in the heterozygous state along with a homozygous MVK p.V377I in an individual with hyper-IgD syndrome (Carapito et al. 2018. PubMed ID: 30030262). Of note, this patient’s sibling was homozygous for the MVK p.V377I variant alone and was asymptomatic and the patient’s unaffected father carried the STAT1 c.722G>A (p.R241Q) variant, suggesting a possible modifier effect of the STAT1 variant on the homozygous MVK variant (Carapito et al. 2018. PubMed ID: 30030262). Functional testing showed that this variant lead to gain-of-function in the cell line with the STAT1 variant (Carapito et al. 2018. PubMed ID: 30030262). This variant is reported in 0.14% of alleles in individuals of Latino descent in gnomAD, which may be too common to be causative. Although we suspect that this variant may be benign, at this time, the clinical significance of this variant is uncertain due to the absence of conclusive functional and genetic evidence.

Blueprint Genetics
Classification: Likely benign. Last evaluated: 2024-11-04. Review status: criteria provided, single submitter. Criteria: ACMG Guidelines, 2015. Collection method: clinical testing. Allele origin: germline.

GeneDx
Classification: Uncertain significance. Last evaluated: 2024-04-29. Review status: criteria provided, single submitter. Criteria: GeneDx Variant Classification Process June 2021. Collection method: clinical testing. Allele origin: germline. Affected: yes.
Comment: In silico analysis, which includes protein predictors and evolutionary conservation, supports that this variant does not alter protein structure/function; Functional studies showed R241Q responded two times more strongly than the wild-type allele after stimulation with IFN-gamma (PMID: 30030262); This variant is associated with the following publications: (PMID: 30030262, 35353336, 33917151)

Ambry Genetics
Classification: Uncertain significance for Inborn genetic diseases. Last evaluated: 2021-11-24. Review status: criteria provided, single submitter. Criteria: Ambry Variant Classification Scheme 2023. Collection method: clinical testing. Allele origin: germline.
Comment: The c.722G>A (p.R241Q) alteration is located in exon 9 (coding exon 7) of the STAT1 gene. This alteration results from a G to A substitution at nucleotide position 722, causing the arginine (R) at amino acid position 241 to be replaced by a glutamine (Q). Based on data from gnomAD, the A allele has an overall frequency of 0.03% (83/282854) total alleles studied. The highest observed frequency was 0.14% (49/35436) of Latino alleles. This amino acid position is not well conserved in available vertebrate species. This missense alteration is located in a region that has a low rate of benign missense variation (Lek, 2016; Firth, 2009). Functional analysis suggests that the p.R241Q alteration may lead to increased expression of STAT1 and have a gain-of-function effect impacting transcription of downstream targets (Carapito, 2018). This alteration is predicted to be tolerated by in silico analysis. Based on insufficient or conflicting evidence, the clinical significance of this alteration remains unclear.

New York Genome Center
Classification: Likely benign for Mendelian susceptibility to mycobacterial diseases due to partial STAT1 deficiency. Last evaluated: 2020-08-14. Review status: criteria provided, single submitter. Criteria: NYGC Assertion Criteria 2020. Collection method: clinical testing. Allele origin: inherited. Observed: 1 heterozygote. Study: CSER-NYCKidSeq.

Illumina Laboratory Services, Illumina
Classification: Benign for Mendelian susceptibility to mycobacterial diseases due to partial STAT1 deficiency. Last evaluated: 2018-01-13. Review status: criteria provided, single submitter. Criteria: ICSL Variant Classification Criteria 13 December 2019. Collection method: clinical testing. Allele origin: germline.
Comment: This variant was observed in the ICSL laboratory as part of a predisposition screen in an ostensibly healthy population. It had not been previously curated by ICSL or reported in the Human Gene Mutation Database (HGMD: prior to June 1st, 2018), and was therefore a candidate for classification through an automated scoring system. Utilizing variant allele frequency, disease prevalence and penetrance estimates, and inheritance mode, an automated score was calculated to assess if this variant is too frequent to cause the disease. Based on the score and internal cut-off values, a variant classified as benign is not then subjected to further curation. The score for this variant resulted in a classification of benign for this disease.

Literature cited by the submitters: PubMed 30030262 (cited by Labcorp Genetics (formerly Invitae), Labcorp and Ambry Genetics).